The following is an entry in ClinVar:

ClinVar aggregate classification (germline): Likely pathogenic (1 of 4 stars; one submission).

Conditions:
Leber congenital amaurosis (LCA). Also called: Leber's amaurosis. Identifiers: Orphanet 65, MedGen C0339527, MeSH D057130, MONDO:0018998.

Submission:

Natera, Inc.
Classification: Likely pathogenic for Leber congenital amaurosis. Last evaluated: 2024-04-24. Review status: criteria provided, single submitter. Criteria: Natera Variant Classification Schema (03/2026). Collection method: clinical testing. Allele origin: germline.
Comment: The c.376C>T variant in CEP290 is a nonsense variant predicted to introduce a stop codon at amino acid 126. This variant is expected to result in nonsense mediated decay, truncation, or a dysfunctional protein product. This variant is rare in the general population with a frequency below the threshold expected for the associated phenotype(s). Given the available evidence, this variant is classified as Likely Pathogenic.

NM_025114.4(CEP290):c.376C>T (p.Gln126Ter)

Gene: CEP290 (centrosomal protein 290; minus strand). Cytogenetic location: 12q21.32.
Variant type: single nucleotide variant.
Coding change: c.376C>T on transcript NM_025114.4 (MANE Select); coding-DNA position 376, C replaced by T.
Protein change: p.Gln126Ter; replaces glutamine 126 with a stop codon.
Molecular consequence: nonsense.
Genome position (GRCh38, 1-based): chr12:88,136,708, G>A on the plus strand (C>T on the coding strand, the complement: CEP290 is on the minus strand). VCF-style: chr12-88136708-G-A. GRCh37 (hg19) VCF-style: chr12-88530485-G-A.
Other names: short protein forms Q126*.
Identifiers: ClinVar variation 4816211 (VCV004816211.1).